The following is an entry in ClinVar:

ClinVar aggregate classification (germline): Uncertain significance. Review status: criteria provided, multiple submitters, no conflicts (2 of 4 stars). 2 submissions from 2 submitters: Uncertain significance (2). Last evaluated 2025-11-17.

Allele frequency attached by ClinVar (database versions not stated): gnomAD exomes below 0.00001.

Submissions (2):

Labcorp Genetics (formerly Invitae), Labcorp
Classification: Uncertain significance. Last evaluated: 2025-11-17. Review status: criteria provided, single submitter. Criteria: Invitae Variant Classification Sherloc (09022015). Collection method: clinical testing. Allele origin: germline.
Comment: This sequence change creates a premature translational stop signal (p.Thr490Asnfs*19) in the RECQL gene. It is expected to result in an absent or disrupted protein product. However, the current clinical and genetic evidence is not sufficient to establish whether loss-of-function variants in RECQL cause disease. This variant is present in population databases (no rsID available, gnomAD 0.006%). This variant has not been reported in the literature in individuals affected with RECQL-related conditions. ClinVar contains an entry for this variant (Variation ID: 2624702). In summary, the available evidence is currently insufficient to determine the role of this variant in disease. Therefore, it has been classified as a Variant of Uncertain Significance.

Ambry Genetics
Classification: Uncertain significance. Last evaluated: 2023-06-26. Review status: criteria provided, single submitter. Criteria: Ambry Variant Classification Scheme 2023. Collection method: clinical testing. Allele origin: germline.
Comment: The c.1466dupT variant, located in coding exon 12 of the RECQL gene, results from a duplication of T at nucleotide position 1466, causing a translational frameshift with a predicted alternate stop codon (p.T490Nfs*19). This alteration is expected to result in loss of function by premature protein truncation or nonsense-mediated mRNA decay. The evidence for this gene-disease relationship is limited; therefore, the clinical significance of this alteration is unclear.

NM_002907.4(RECQL):c.1466dup (p.Thr490fs)

Gene: RECQL (RecQ like helicase; minus strand). Cytogenetic location: 12p12.1.
Variant type: Duplication.
Coding change: c.1466dup on transcript NM_002907.4 (MANE Select); coding-DNA position 1466, one base duplicated (T; older notation c.1466dupT).
Protein change: p.Thr490fs; shifts the reading frame from threonine 490.
Molecular consequence: frameshift variant.
Genome position (GRCh38, 1-based): chr12:21,471,629, A duplicated on the plus strand (T on the coding strand, the reverse complement: RECQL is on the minus strand). VCF-style (leftmost placement, unchanged base first): chr12-21471628-T-TA. GRCh37 (hg19) VCF-style: chr12-21624562-T-TA.
Other names: c.1466dup, p.Thr490fs (NM_032941.3); short protein forms T490fs.
Identifiers: ClinVar variation 2624702 (VCV002624702.5), dbSNP rs1485924612, ClinGen allele CA603967568.